The following is an entry in ClinVar:

ClinVar aggregate classification (germline): Pathogenic (1 of 4 stars; one submission).

Submission:

GeneDx
Classification: Pathogenic. Last evaluated: 2020-04-09. Review status: criteria provided, single submitter. Criteria: GeneDx Variant Classification Process June 2021. Collection method: clinical testing. Allele origin: germline. Affected: yes.
Comment: Has not been previously published as pathogenic or benign to our knowledge; Nonsense variant predicted to result in protein truncation or nonsense mediated decay in a gene for which loss-of-function is a known mechanism of disease; Not observed in large population cohorts (Lek et al., 2016)

NM_017780.4(CHD7):c.6574G>T (p.Glu2192Ter)

Gene: CHD7 (chromodomain helicase DNA binding protein 7; plus strand). Cytogenetic location: 8q12.2.
Variant type: single nucleotide variant.
Coding change: c.6574G>T on transcript NM_017780.4 (MANE Select); coding-DNA position 6574, G replaced by T.
Protein change: p.Glu2192Ter; replaces glutamic acid 2192 with a stop codon.
Molecular consequence: nonsense. On other transcripts: intron variant (1).
Genome position (GRCh38, 1-based): chr8:60,853,299, G>T. VCF-style: chr8-60853299-G-T. GRCh37 (hg19) VCF-style: chr8-61765858-G-T.
Other names: c.1717-8930G>T (NM_001316690.1); short protein forms E2192*.
Identifiers: ClinVar variation 1203237 (VCV001203237.3), dbSNP rs370361926, ClinGen allele CA371325784.
Genomic context (GRCh38, chr8:60,853,299, plus strand): 5'-GAAGGCAAAGTGGAGGAGCCTGAAAACCCAGCTGCCAAGGAGAAATGTGAGGGCAAAGAA[G>T]AGGAAGAAGAAACCGATGGCAGCGGGAAGGAGAGCAAGCAGGAATGTGAGGCAGAGGCCA-3'